The following is an entry in ClinVar:

ClinVar aggregate classification (germline): Likely pathogenic (1 of 4 stars; one submission).

Submission:

Quest Diagnostics Nichols Institute San Juan Capistrano
Classification: Likely pathogenic. Last evaluated: 2019-10-15. Review status: criteria provided, single submitter. Criteria: Quest Diagnostics criteria. Collection method: clinical testing. Allele origin: unknown.
Comment: The variant results in a shift of the reading frame, and is therefore predicted to result in the loss of a functional protein. Not found in the total gnomAD dataset, and the data is high quality.

NM_007194.4(CHEK2):c.423del (p.Lys142fs)

Gene: CHEK2 (checkpoint kinase 2; minus strand). Cytogenetic location: 22q12.1.
Variant type: Deletion.
Coding change: c.423del on transcript NM_007194.4 (MANE Select); coding-DNA position 423, one base deleted (G; older notation c.423delG).
Protein change: p.Lys142fs; shifts the reading frame from lysine 142.
Molecular consequence: frameshift variant.
Genome position (GRCh38, 1-based): chr22:28,725,264, C deleted on the plus strand (G on the coding strand, the reverse complement: CHEK2 is on the minus strand). VCF-style (leftmost placement, unchanged base first): chr22-28725263-TC-T. GRCh37 (hg19) VCF-style: chr22-29121251-TC-T.
Other names: c.423delG, p.Lys142Asnfs (NM_145862.3, NM_001349956.3); c.552delG, p.Lys185Asnfs (NM_001005735.3); c.-355delG (NM_001257387.3); short protein forms K142fs, K185fs.
Identifiers: ClinVar variation 993220 (VCV000993220.1), dbSNP rs2053957486, ClinGen allele CA1139666375.